The following is an entry in ClinVar:

NM_177438.3(DICER1):c.5758C>T (p.Pro1920Ser)

Gene: DICER1 (dicer 1, ribonuclease III; minus strand). Cytogenetic location: 14q32.13.
Variant type: single nucleotide variant.
Coding change: c.5758C>T on transcript NM_177438.3 (MANE Select); coding-DNA position 5758, C replaced by T.
Protein change: p.Pro1920Ser; replaces proline 1920 with serine.
Molecular consequence: missense variant. On other transcripts: 3 prime UTR variant (1).
Genome position (GRCh38, 1-based): chr14:95,090,509, G>A on the plus strand (C>T on the coding strand, the complement: DICER1 is on the minus strand). VCF-style: chr14-95090509-G-A. GRCh37 (hg19) VCF-style: chr14-95556846-G-A.
Other names: c.*105C>T (NM_001195573.1); c.5758C>T, p.Pro1920Ser (NM_001271282.3, NM_001291628.2, NM_030621.4); short protein forms P1920S.
Identifiers: ClinVar variation 885931 (VCV000885931.8), dbSNP rs1889697031, ClinGen allele CA390862871.

ClinVar aggregate classification (germline): Uncertain significance. Review status: criteria provided, multiple submitters, no conflicts (2 of 4 stars). 2 submissions from 2 submitters: Uncertain significance (2). Last evaluated 2025-12-08.

Conditions:
Hereditary cancer-predisposing syndrome. Also called: Tumor predisposition; Neoplastic Syndromes, Hereditary; Hereditary neoplastic syndrome; Hereditary Cancer Syndrome. Identifiers: Orphanet 140162, MedGen C0027672, MeSH D009386, MONDO:0015356.
DICER1-related tumor predisposition. Also called: DICER1 syndrome; DICER1-related pleuropulmonary blastoma cancer predisposition syndrome. Identifiers: Orphanet 284343, MedGen C3839822, MONDO:0100216.

Allele frequency attached by ClinVar (database versions not stated): gnomAD exomes below 0.00001.
gnomAD v4.1: 1 of 1,613,872 alleles (0.000062%); highest among the groups gnomAD compares: Non-Finnish European, 0.000085%; no homozygotes.

Submissions (2):

Ambry Genetics
Classification: Uncertain significance for Hereditary cancer-predisposing syndrome. Last evaluated: 2025-12-08. Review status: criteria provided, single submitter. Criteria: Ambry Variant Classification Scheme 2023. Collection method: clinical testing. Allele origin: germline.
Comment: The p.P1920S variant (also known as c.5758C>T), located in coding exon 26 of the DICER1 gene, results from a C to T substitution at nucleotide position 5758. The proline at codon 1920 is replaced by serine, an amino acid with similar properties. This amino acid position is conserved. In addition, this alteration is predicted to be tolerated by in silico analysis. Based on the available evidence, the clinical significance of this variant remains unclear.

Illumina Laboratory Services, Illumina
Classification: Uncertain significance for Pleuropulmonary blastoma. Last evaluated: 2018-01-12. Review status: criteria provided, single submitter. Criteria: ICSL Variant Classification Criteria 13 December 2019. Collection method: clinical testing. Allele origin: germline.